The following is an entry in ClinVar:

ClinVar aggregate classification (germline): Uncertain significance. Review status: criteria provided, multiple submitters, no conflicts (2 of 4 stars). 3 submissions from 3 submitters: Uncertain significance (3). Last evaluated 2024-10-19.

Conditions:
Fanconi anemia (FA). Also called: Fanconi's anemia. Identifiers: Orphanet 84, MedGen C0015625, MeSH D005199, MONDO:0019391.
Fanconi anemia complementation group L (FANCL). Also called: FANCL-Related Fanconi Anemia. Identifiers: Orphanet 84, MedGen C3469528, MONDO:0013566, OMIM 614083.

Allele frequency attached by ClinVar (database versions not stated): ExAC 0.00002; gnomAD exomes 0.00003 and 0.00009; gnomAD 0.00005 and 0.00006; TOPMed 0.00006.
gnomAD v4.1: 143 of 1,613,880 alleles (0.0089%); highest among the groups gnomAD compares: Non-Finnish European, 0.011%; no homozygotes.

Submissions (3):

Labcorp Genetics (formerly Invitae), Labcorp
Classification: Uncertain significance for Fanconi anemia. Last evaluated: 2024-10-19. Review status: criteria provided, single submitter. Criteria: Invitae Variant Classification Sherloc (09022015). Collection method: clinical testing. Allele origin: germline.
Comment: This sequence change replaces arginine, which is basic and polar, with tryptophan, which is neutral and slightly polar, at codon 221 of the FANCL protein (p.Arg221Trp). This variant is present in population databases (rs772025061, gnomAD 0.007%). This variant has not been reported in the literature in individuals affected with FANCL-related conditions. ClinVar contains an entry for this variant (Variation ID: 838259). Invitae Evidence Modeling of protein sequence and biophysical properties (such as structural, functional, and spatial information, amino acid conservation, physicochemical variation, residue mobility, and thermodynamic stability) indicates that this missense variant is expected to disrupt FANCL protein function with a positive predictive value of 80%. Experimental studies have shown that this missense change affects FANCL function (PMID: 32420600). In summary, the available evidence is currently insufficient to determine the role of this variant in disease. Therefore, it has been classified as a Variant of Uncertain Significance.

Fulgent Genetics
Classification: Uncertain significance for Fanconi anemia complementation group L. Last evaluated: 2024-06-14. Review status: criteria provided, single submitter. Criteria: ACMG Guidelines, 2015. Collection method: clinical testing. Allele origin: germline.

Sema4
Classification: Uncertain significance for Fanconi anemia. Last evaluated: 2021-10-15. Review status: criteria provided, single submitter. Criteria: Sema4 Curation Guidelines. Collection method: curation. Allele origin: germline.
Comment: The FANCL c.661C>T (p.R221W) variant has been reported in at least one individual with breast cancer (PMID: 32008151). It was observed in 9/129142 chromosomes of the Non-Finnish European subpopulation in the large and broad cohorts of the Genome Aggregation Database (PMID: 32461654). The variant has been reported in ClinVar (Variation ID 838259). In silico tools suggest the impact of the variant on protein function is inconclusive. Functional studies have shown that this variant alters the protein function (PMID: 32420600). The evidence is insufficient to meet ACMG/AMP criteria for classifying the variant as benign or pathogenic. Thus, the clinical significance of this variant is currently uncertain.

Literature cited by the submitters: PubMed 32420600 (cited by Labcorp Genetics (formerly Invitae), Labcorp and Sema4); PubMed 32008151 (cited by Sema4).

NM_018062.4(FANCL):c.661C>T (p.Arg221Trp)

Gene: FANCL (FA complementation group L; minus strand). Cytogenetic location: 2p16.1.
Variant type: single nucleotide variant.
Coding change: c.661C>T on transcript NM_018062.4 (MANE Select); coding-DNA position 661, C replaced by T.
Protein change: p.Arg221Trp; replaces arginine 221 with tryptophan.
Molecular consequence: missense variant.
Genome position (GRCh38, 1-based): chr2:58,165,754, G>A on the plus strand (C>T on the coding strand, the complement: FANCL is on the minus strand). VCF-style: chr2-58165754-G-A. GRCh37 (hg19) VCF-style: chr2-58392889-G-A.
Other names: c.676C>T, p.Arg226Trp (NM_001114636.2); c.706C>T, p.Arg236Trp (NM_001374615.1); c.721C>T, p.Arg241Trp (NM_001410792.1); short protein forms R221W, R226W, R236W, R241W.
Identifiers: ClinVar variation 838259 (VCV000838259.10), dbSNP rs772025061, ClinGen allele CA1670531.